The following is an entry in ClinVar:

NM_017739.4(POMGNT1):c.879+3G>A

Genes: POMGNT1 (protein O-linked mannose N-acetylglucosaminyltransferase 1 (beta 1,2-); minus strand), TSPAN1 (tetraspanin 1; plus strand). Cytogenetic location: 1p34.1.
Variant type: single nucleotide variant.
Coding change: c.879+3G>A on transcript NM_017739.4 (MANE Select); 3 bases into the intron after coding-DNA position 879, G replaced by A.
Molecular consequence: intron variant.
Genome position (GRCh38, 1-based): chr1:46,194,271, C>T on the plus strand (G>A on the coding strand, the complement: POMGNT1 is on the minus strand). VCF-style: chr1-46194271-C-T. GRCh37 (hg19) VCF-style: chr1-46659943-C-T.
Other names: c.879+3G>A (NM_001243766.2, NM_001438686.1, NM_001438688.1 and 3 more transcripts); c.813+3G>A (NM_001290129.3, NM_001438691.1, NM_001438692.1); c.450+3G>A (NM_001290130.2).
Identifiers: ClinVar variation 1507521 (VCV001507521.5), dbSNP rs1411537744, ClinGen allele CA522811706.

ClinVar aggregate classification (germline): Uncertain significance (1 of 4 stars; one submission).

Conditions:
Autosomal recessive limb-girdle muscular dystrophy type 2O. Also called: Limb-Girdle Muscular Dystrophy Type 3C; MUSCULAR DYSTROPHY-DYSTROGLYCANOPATHY (LIMB-GIRDLE), TYPE C, 3; MUSCULAR DYSTROPHY-DYSTROGLYCANOPATHY, LIMB-GIRDLE, POMGNT1-RELATED. Identifiers: Orphanet 206564, MedGen C3150417, MONDO:0013161, OMIM 613157.
Muscular dystrophy-dystroglycanopathy (congenital with impaired intellectual development), type B, 3. Also called: Muscular dystrophy-dystroglycanopathy (congenital with intellectual disability), type B3; MUSCULAR DYSTROPHY, CONGENITAL, POMGNT1-RELATED. Identifiers: MedGen C3150412, MONDO:0013155, OMIM 613151.

Allele frequency attached by ClinVar (database versions not stated): TOPMed 0.00001; gnomAD 0.00002 and 0.00001.
gnomAD v4.1: 2 of 1,614,094 alleles (0.00012%); highest among the groups gnomAD compares: African/African-American, 0.0027%; no homozygotes.

Submission:

Labcorp Genetics (formerly Invitae), Labcorp
Classification: Uncertain significance for Autosomal recessive limb-girdle muscular dystrophy type 2O; Muscular dystrophy-dystroglycanopathy (congenital with impaired intellectual development), type B, 3. Last evaluated: 2024-10-24. Review status: criteria provided, single submitter. Criteria: Invitae Variant Classification Sherloc (09022015). Collection method: clinical testing. Allele origin: germline.
Comment: This sequence change falls in intron 9 of the POMGNT1 gene. It does not directly change the encoded amino acid sequence of the POMGNT1 protein. It affects a nucleotide within the consensus splice site. This variant is present in population databases (no rsID available, gnomAD 0.01%). This variant has not been reported in the literature in individuals affected with POMGNT1-related conditions. ClinVar contains an entry for this variant (Variation ID: 1507521). Variants that disrupt the consensus splice site are a relatively common cause of aberrant splicing (PMID: 17576681, 9536098). Algorithms developed to predict the effect of sequence changes on RNA splicing suggest that this variant is not likely to affect RNA splicing. In summary, the available evidence is currently insufficient to determine the role of this variant in disease. Therefore, it has been classified as a Variant of Uncertain Significance.

Literature cited by the submitters: PubMed 17576681; PubMed 9536098.